The following is an entry in ClinVar:

ClinVar aggregate classification (germline): Uncertain significance (1 of 4 stars; one submission).

Submission:

Women's Health and Genetics/Laboratory Corporation of America, LabCorp
Classification: Uncertain significance. Last evaluated: 2023-07-26. Review status: criteria provided, single submitter. Criteria: LabCorp Variant Classification Summary - May 2015. Collection method: clinical testing. Allele origin: germline.
Comment: Variant summary: GBA c.1263C>A (p.Asn421Lys) results in a non-conservative amino acid change located in the Glycosyl hydrolase family 30, TIM-barrel domain (IPR033453) of the encoded protein sequence. Five of five in-silico tools predict a damaging effect of the variant on protein function. The variant was absent in 251478 control chromosomes. c.1263C>A has been reported in the literature in individuals affected with Gaucher Disease (Tang_2005). These data do not allow any conclusion about variant significance. Two publications report experimental evidence evaluating an impact on protein function. Both studies show about 22% of normal catalytic enzyme activity (Tang_2005, Liou_2006). The following publications have been ascertained in the context of this evaluation (PMID: 16293621, 34951095, 15954102). No submitters have cited clinical-significance assessments for this variant to ClinVar after 2014. Based on the evidence outlined above, the variant was classified as VUS-possibly pathogenic.

Literature cited by the submitters: PubMed 16293621; PubMed 15954102; PubMed 34951095.

NM_000157.4(GBA1):c.1263C>A (p.Asn421Lys)

Genes: GBA1 (glucosylceramidase beta 1; minus strand), LOC106627981 (GBA recombination region; plus strand). Cytogenetic location: 1q22.
Variant type: single nucleotide variant.
Coding change: c.1263C>A on transcript NM_000157.4 (MANE Select); coding-DNA position 1263, C replaced by A.
Protein change: p.Asn421Lys; replaces asparagine 421 with lysine.
Molecular consequence: missense variant.
Genome position (GRCh38, 1-based): chr1:155,235,806, G>T on the plus strand (C>A on the coding strand, the complement: GBA1 is on the minus strand). VCF-style: chr1-155235806-G-T. GRCh37 (hg19) VCF-style: chr1-155205597-G-T.
Other names: c.1263C>A, p.Asn421Lys (NM_001005741.3, NM_001005742.3); c.1002C>A, p.Asn334Lys (NM_001171811.2); c.1116C>A, p.Asn372Lys (NM_001171812.2); short protein forms N334K, N372K, N421K.
Identifiers: ClinVar variation 2577334 (VCV002577334.1), dbSNP rs2148071759, ClinGen allele CA342713714.